The following is an entry in ClinVar:

ClinVar aggregate classification (germline): Likely benign. Review status: criteria provided, multiple submitters, no conflicts (2 of 4 stars). 4 submissions from 4 submitters: Likely benign (3). 1 of the submissions does not count toward it. Last evaluated 2026-01-26.

Conditions:
Marfan syndrome (MFS). Also called: Marfan syndrome, classic; Marfan syndrome type 1; Marfan's syndrome; MARFAN SYNDROME, TYPE I; FBN1-Related Marfan Syndrome. Identifiers: Orphanet 284963, Orphanet 558, MedGen C0024796, MONDO:0007947, OMIM 154700.
Familial thoracic aortic aneurysm and aortic dissection (TAAD). Also called: Thoracic aortic aneurysms and dissections. Identifiers: Orphanet 91387, MedGen C4707243, MONDO:0019625.

Allele frequency attached by ClinVar (database versions not stated): gnomAD 0.00008 and 0.00007; gnomAD exomes 0.00003 and 0.00007; TOPMed 0.00006; ESP Exome Variant Server 0.00008.
gnomAD v4.1: 115 of 1,611,066 alleles (0.0071%); highest among the groups gnomAD compares: Middle Eastern, 0.016%; no homozygotes.

Submissions (4):

Labcorp Genetics (formerly Invitae), Labcorp
Classification: Likely benign for Marfan syndrome; Familial thoracic aortic aneurysm and aortic dissection. Last evaluated: 2026-01-26. Review status: criteria provided, single submitter. Criteria: Invitae Variant Classification Sherloc (09022015). Collection method: clinical testing. Allele origin: germline.

ARUP Laboratories, Molecular Genetics and Genomics, ARUP Laboratories
Classification: Likely benign. Last evaluated: 2023-08-09. Review status: criteria provided, single submitter. Criteria: ARUP Molecular Germline Variant Investigation Process 2024. Collection method: clinical testing. Allele origin: germline.

GeneDx
Classification: Likely benign. Last evaluated: 2017-08-25. Review status: criteria provided, single submitter. Criteria: GeneDx Variant Classification (06012015). Collection method: clinical testing. Allele origin: germline. Affected: yes.
Comment: This variant is considered likely benign or benign based on one or more of the following criteria: it is a conservative change, it occurs at a poorly conserved position in the protein, it is predicted to be benign by multiple in silico algorithms, and/or has population frequency not consistent with disease.

Center for Medical Genetics Ghent, University of Ghent
Classification: Uncertain significance for Marfan syndrome. Last evaluated: 2017-11-07. Review status: no assertion criteria provided. Collection method: clinical testing. Allele origin: germline. Affected: yes. Not counted in ClinVar's aggregate classification.

NM_000138.5(FBN1):c.5297-19A>G

Gene: FBN1 (fibrillin 1; minus strand). Cytogenetic location: 15q21.1.
Variant type: single nucleotide variant.
Coding change: c.5297-19A>G on transcript NM_000138.5 (MANE Select); 19 bases into the intron before coding-DNA position 5297, A replaced by G.
Molecular consequence: intron variant.
Genome position (GRCh38, 1-based): chr15:48,456,781, T>C on the plus strand (A>G on the coding strand, the complement: FBN1 is on the minus strand). VCF-style: chr15-48456781-T-C. GRCh37 (hg19) VCF-style: chr15-48748978-T-C.
Identifiers: ClinVar variation 381097 (VCV000381097.18), dbSNP rs375665466, ClinGen allele CA16607093.
Genomic context (GRCh38, chr15:48,456,781, plus strand): 5'-CATTTTCACAGACCCCTGGGATCTCCCGGCACTCATCAATATCTAGAGACAGAGTAGTCA[T>C]TCATGAGTGACAGGACAGCACATGATCCCTGTGCAGGGTAAGACAAGATGGAAAGTGCGT-3'